The following is an entry in ClinVar:

NM_001195263.2(PDZD7):c.2789C>A (p.Thr930Asn)

Gene: PDZD7 (PDZ domain containing 7; minus strand). Cytogenetic location: 10q24.31.
Variant type: single nucleotide variant.
Coding change: c.2789C>A on transcript NM_001195263.2 (MANE Select); coding-DNA position 2789, C replaced by A.
Protein change: p.Thr930Asn; replaces threonine 930 with asparagine.
Molecular consequence: missense variant.
Genome position (GRCh38, 1-based): chr10:101,008,780, G>T on the plus strand (C>A on the coding strand, the complement: PDZD7 is on the minus strand). VCF-style: chr10-101008780-G-T. GRCh37 (hg19) VCF-style: chr10-102768537-G-T.
Other names: short protein forms T930N.
Identifiers: ClinVar variation 1002353 (VCV001002353.9), dbSNP rs1852298416, ClinGen allele CA378223341.
Genomic context (GRCh38, chr10:101,008,780, plus strand): 5'-GGGACCCTGACCACAAGCTCCATGGGCTCCCGGGCCTTGTTTCGATAAGCCCGACGGATG[G>T]TGTCTACTGCACGCTGGTGGGTCACCTGCTCTAGATTCTCTCCGTCCACTGCCACAAGCT-3'
Protein context (NP_001182192.1, residues 920-940): EQVTHQRAVD[Thr930Asn]IRRAYRNKAR

ClinVar aggregate classification (germline): Uncertain significance (1 of 4 stars; one submission).

Allele frequency attached by ClinVar (database versions not stated): gnomAD exomes 0.00001.
gnomAD v4.1: 8 of 1,535,062 alleles (0.00052%); highest among the groups gnomAD compares: Non-Finnish European, 0.0007%; no homozygotes.

Submission:

Labcorp Genetics (formerly Invitae), Labcorp
Classification: Uncertain significance. Last evaluated: 2020-02-18. Review status: criteria provided, single submitter. Criteria: Invitae Variant Classification Sherloc (09022015). Collection method: clinical testing. Allele origin: germline.
Comment: This sequence change replaces threonine with asparagine at codon 930 of the PDZD7 protein (p.Thr930Asn). The threonine residue is weakly conserved and there is a small physicochemical difference between threonine and asparagine. The frequency data for this variant in the population databases is considered unreliable, as metrics indicate insufficient coverage at this position in the ExAC database. This variant has not been reported in the literature in individuals with PDZD7-related conditions. Algorithms developed to predict the effect of missense changes on protein structure and function are either unavailable or do not agree on the potential impact of this missense change (SIFT: Not Available; PolyPhen-2: Not Available; Align-GVGD: "Class C0"). In summary, the available evidence is currently insufficient to determine the role of this variant in disease. Therefore, it has been classified as a Variant of Uncertain Significance.